The following is an entry in ClinVar:

NM_001267550.2(TTN):c.105493A>G (p.Lys35165Glu)

Genes: TTN-AS1 (TTN antisense RNA 1; plus strand), TTN (titin; minus strand), LOC129935184 (ATAC-STARR-seq lymphoblastoid active region 16809; plus strand). Cytogenetic location: 2q31.2.
Variant type: single nucleotide variant.
Coding change: c.105493A>G on transcript NM_001267550.2 (MANE Select); coding-DNA position 105493, A replaced by G.
Protein change: p.Lys35165Glu; replaces lysine 35165 with glutamic acid.
Molecular consequence: missense variant.
Genome position (GRCh38, 1-based): chr2:178,531,122, T>C on the plus strand (A>G on the coding strand, the complement: TTN is on the minus strand). VCF-style: chr2-178531122-T-C. GRCh37 (hg19) VCF-style: chr2-179395849-T-C.
Other names: c.100570A>G, p.Lys33524Glu (NM_001256850.1); c.78298A>G, p.Lys26100Glu (NM_003319.4); c.97789A>G, p.Lys32597Glu (NM_133378.4); c.78673A>G, p.Lys26225Glu (NM_133432.3); c.78874A>G, p.Lys26292Glu (NM_133437.4); short protein forms K35165E, K26100E, K33524E, K26225E, K26292E, K32597E.
Identifiers: ClinVar variation 569083 (VCV000569083.11), dbSNP rs879156291, ClinGen allele CA60953833.

ClinVar aggregate classification (germline): Uncertain significance. Review status: criteria provided, multiple submitters, no conflicts (2 of 4 stars). 2 submissions from 2 submitters: Uncertain significance (2). Last evaluated 2025-07-01.

Conditions:
Cardiovascular phenotype. Identifiers: MedGen CN230736.
Dilated cardiomyopathy 1G (CMD1G). Identifiers: Orphanet 154, MedGen C1858763, MONDO:0011400, OMIM 604145.
Autosomal recessive limb-girdle muscular dystrophy type 2J (LGMDR10). Also called: MUSCULAR DYSTROPHY, LIMB-GIRDLE, AUTOSOMAL RECESSIVE 10; Limb-girdle muscular dystrophy, type 2J. Identifiers: Orphanet 140922, MedGen C1837342, MONDO:0012127, OMIM 608807.

Allele frequency attached by ClinVar (database versions not stated): gnomAD exomes below 0.00001; gnomAD 0.00001.
gnomAD v4.1: 2 of 1,613,886 alleles (0.00012%); highest among the groups gnomAD compares: African/African-American, 0.0027%; no homozygotes.

Submissions (2):

Labcorp Genetics (formerly Invitae), Labcorp
Classification: Uncertain significance for Dilated cardiomyopathy 1G; Autosomal recessive limb-girdle muscular dystrophy type 2J. Last evaluated: 2025-07-01. Review status: criteria provided, single submitter. Criteria: Invitae Variant Classification Sherloc (09022015). Collection method: clinical testing. Allele origin: germline.
Comment: This sequence change replaces lysine, which is basic and polar, with glutamic acid, which is acidic and polar, at codon 35165 of the TTN protein (p.Lys35165Glu). This variant is not present in population databases (gnomAD no frequency). This variant has not been reported in the literature in individuals affected with TTN-related conditions. ClinVar contains an entry for this variant (Variation ID: 569083). Experimental studies and prediction algorithms are not available or were not evaluated, and the functional significance of this variant is currently unknown. This variant is located in the M band of TTN (PMID: 25589632). Non-truncating variants in this region may be relevant for neuromuscular disorders, but have not been definitively shown to cause cardiomyopathy (PMID: 23975875). In summary, the available evidence is currently insufficient to determine the role of this variant in disease. Therefore, it has been classified as a Variant of Uncertain Significance.

Ambry Genetics
Classification: Uncertain significance for Cardiovascular phenotype. Last evaluated: 2020-02-25. Review status: criteria provided, single submitter. Criteria: Ambry Variant Classification Scheme 2023. Collection method: clinical testing. Allele origin: germline.
Comment: The p.K26100E variant (also known as c.78298A>G), located in coding exon 185 of the TTN gene, results from an A to G substitution at nucleotide position 78298. The lysine at codon 26100 is replaced by glutamic acid, an amino acid with similar properties. This amino acid position is poorly conserved in available vertebrate species. In addition, this alteration is predicted to be tolerated by in silico analysis. Since supporting evidence is limited at this time, the clinical significance of this alteration remains unclear.

Literature cited by the submitters: PubMed 25589632 (cited by Labcorp Genetics (formerly Invitae), Labcorp); PubMed 23975875 (cited by Labcorp Genetics (formerly Invitae), Labcorp).